The following is an entry in ClinVar:

ClinVar aggregate classification (germline): Uncertain significance (1 of 4 stars; one submission).

Conditions:
Inborn genetic diseases. Identifiers: MedGen C0950123, MeSH D030342.

Submission:

Ambry Genetics
Classification: Uncertain significance for Inborn genetic diseases. Last evaluated: 2025-07-14. Review status: criteria provided, single submitter. Criteria: Ambry Variant Classification Scheme 2023. Collection method: clinical testing. Allele origin: germline.
Comment: The p.Q40R variant (also known as c.119A>G), located in coding exon 2 of the FANCG gene, results from an A to G substitution at nucleotide position 119. The glutamine at codon 40 is replaced by arginine, an amino acid with highly similar properties. This amino acid position is conserved. In addition, this alteration is predicted to be tolerated by in silico analysis. Based on the available evidence, the clinical significance of this variant remains unclear.

NM_004629.2(FANCG):c.119A>G (p.Gln40Arg)

Gene: FANCG (FA complementation group G; minus strand). Cytogenetic location: 9p13.3.
Variant type: single nucleotide variant.
Coding change: c.119A>G on transcript NM_004629.2 (MANE Select); coding-DNA position 119, A replaced by G.
Protein change: p.Gln40Arg; replaces glutamine 40 with arginine.
Molecular consequence: missense variant.
Genome position (GRCh38, 1-based): chr9:35,079,207, T>C on the plus strand (A>G on the coding strand, the complement: FANCG is on the minus strand). VCF-style: chr9-35079207-T-C. GRCh37 (hg19) VCF-style: chr9-35079204-T-C.
Other names: short protein forms Q40R.
Identifiers: ClinVar variation 4254440 (VCV004254440.1).
Genomic context (GRCh38, chr9:35,079,207, plus strand): 5'-CTACCTTGCAGACTATGGAGGAGCCCTCTGAGCCCTTCCAGTGCATCCTGAGCCAACTGC[T>C]GTCGCCTCAGAGTCAGACCGGAGTTCTGAGCCACCTGCCACATGAGGGAGGGGTTGTCAC-3'
Protein context (NP_004620.1, residues 30-50): AQNSGLTLRR[Gln40Arg]QLAQDALEGL